The following is an entry in ClinVar:

ClinVar aggregate classification (germline): Uncertain significance (1 of 4 stars; one submission).

gnomAD v4.1: 3 of 1,614,064 alleles (0.00019%); highest among the groups gnomAD compares: Admixed American, 0.005%; no homozygotes.

Submission:

Labcorp Genetics (formerly Invitae), Labcorp
Classification: Uncertain significance. Last evaluated: 2025-04-28. Review status: criteria provided, single submitter. Criteria: Invitae Variant Classification Sherloc (09022015). Collection method: clinical testing. Allele origin: germline.
Comment: This sequence change replaces aspartic acid, which is acidic and polar, with asparagine, which is neutral and polar, at codon 601 of the UNC45A protein (p.Asp601Asn). This variant is not present in population databases (gnomAD no frequency). This variant has not been reported in the literature in individuals affected with UNC45A-related conditions. ClinVar contains an entry for this variant (Variation ID: 1503399). Invitae Evidence Modeling of protein sequence and biophysical properties (such as structural, functional, and spatial information, amino acid conservation, physicochemical variation, residue mobility, and thermodynamic stability) indicates that this missense variant is not expected to disrupt UNC45A protein function with a negative predictive value of 80%. In summary, the available evidence is currently insufficient to determine the role of this variant in disease. Therefore, it has been classified as a Variant of Uncertain Significance.

NM_018671.5(UNC45A):c.1801G>A (p.Asp601Asn)

Gene: UNC45A (unc-45 myosin chaperone A; plus strand). Cytogenetic location: 15q26.1.
Variant type: single nucleotide variant.
Coding change: c.1801G>A on transcript NM_018671.5 (MANE Select); coding-DNA position 1801, G replaced by A.
Protein change: p.Asp601Asn; replaces aspartic acid 601 with asparagine.
Molecular consequence: missense variant.
Genome position (GRCh38, 1-based): chr15:90,948,717, G>A. VCF-style: chr15-90948717-G-A. GRCh37 (hg19) VCF-style: chr15-91491947-G-A.
Other names: c.1756G>A, p.Asp586Asn (NM_001039675.2, NM_001323621.2); c.1801G>A, p.Asp601Asn (NM_001323619.1); c.1366G>A, p.Asp456Asn (NM_001323620.2); short protein forms D601N, D456N, D586N.
Identifiers: ClinVar variation 1503399 (VCV001503399.5), dbSNP rs2151373170, ClinGen allele CA393859132.